The following is an entry in ClinVar:

NM_001243279.3(ACSF3):c.1502-4G>A

Gene: ACSF3 (acyl-CoA synthetase family member 3; plus strand). Cytogenetic location: 16q24.3.
Variant type: single nucleotide variant.
Coding change: c.1502-4G>A on transcript NM_001243279.3 (MANE Select); 4 bases into the intron before coding-DNA position 1502, G replaced by A.
Molecular consequence: intron variant.
Genome position (GRCh38, 1-based): chr16:89,145,934, G>A. VCF-style: chr16-89145934-G-A. GRCh37 (hg19) VCF-style: chr16-89212342-G-A.
Other names: c.1502-4G>A (NM_174917.3, NM_001127214.4, NM_174917.5); c.707-4G>A (NM_001284316.2).
Identifiers: ClinVar variation 707863 (VCV000707863.15), dbSNP rs111414659, ClinGen allele CA8238269.
Genomic context (GRCh38, chr16:89,145,934, plus strand): 5'-ACTCTTCGGCCTGTAAGGGTCACTGAGGCATCCCCATGTTCTCAAACTGTTCTTCTATCC[G>A]CAGATGTGGCTGTGATTGGAGTTCCGGATATGACATGGGGCCAGCGGGTCACTGCTGTGG-3'

ClinVar aggregate classification (germline): Likely benign. Review status: criteria provided, multiple submitters, no conflicts (2 of 4 stars). 4 submissions from 4 submitters: Likely benign (2). 2 of the submissions do not count toward it. Last evaluated 2025-11-25.

Conditions:
ACSF3-related disorder. Also called: ACSF3-related condition.
Inborn genetic diseases. Identifiers: MedGen C0950123, MeSH D030342.
Combined malonic and methylmalonic acidemia. Identifiers: Orphanet 289504, MedGen C3280314, MONDO:0013661, OMIM 614265.

Allele frequency attached by ClinVar (database versions not stated): ExAC 0.00010; gnomAD exomes 0.00011; ESP Exome Variant Server 0.00015; 1000 Genomes Project 30x 0.00016; 1000 Genomes Project 0.00020; TOPMed 0.00020; gnomAD 0.00023 and 0.00024.
gnomAD v4.1: 107 of 1,613,014 alleles (0.0066%); highest among the groups gnomAD compares: African/African-American, 0.061%; 1 homozygote.

Submissions (4):

Labcorp Genetics (formerly Invitae), Labcorp
Classification: Likely benign for Combined malonic and methylmalonic acidemia. Last evaluated: 2025-11-25. Review status: criteria provided, single submitter. Criteria: Invitae Variant Classification Sherloc (09022015). Collection method: clinical testing. Allele origin: germline.

Ambry Genetics
Classification: Likely benign for Inborn genetic diseases. Last evaluated: 2022-01-31. Review status: criteria provided, single submitter. Criteria: Ambry Variant Classification Scheme 2023. Collection method: clinical testing. Allele origin: germline.

Natera, Inc.
Classification: Uncertain significance for Combined malonic and methylmalonic aciduria. Last evaluated: 2020-05-01. Review status: no assertion criteria provided. Collection method: clinical testing. Allele origin: germline. Not counted in ClinVar's aggregate classification.

PreventionGenetics, part of Exact Sciences
Classification: Likely benign for ACSF3-related condition. Last evaluated: 2019-08-01. Review status: no assertion criteria provided. Collection method: clinical testing. Allele origin: germline. Not counted in ClinVar's aggregate classification.
Comment: This variant is classified as likely benign based on ACMG/AMP sequence variant interpretation guidelines (Richards et al. 2015 PMID: 25741868, with internal and published modifications).